The following is an entry in ClinVar:

ClinVar aggregate classification (germline): Uncertain significance (1 of 4 stars; one submission).

Allele frequency attached by ClinVar (database versions not stated): gnomAD exomes below 0.00001; ExAC 0.00001.
gnomAD v4.1: 3 of 1,614,202 alleles (0.00019%); highest among the groups gnomAD compares: Non-Finnish European, 0.00025%; no homozygotes.

Submission:

Labcorp Genetics (formerly Invitae), Labcorp
Classification: Uncertain significance. Last evaluated: 2022-01-13. Review status: criteria provided, single submitter. Criteria: Invitae Variant Classification Sherloc (09022015). Collection method: clinical testing. Allele origin: germline.
Comment: In summary, the available evidence is currently insufficient to determine the role of this variant in disease. Therefore, it has been classified as a Variant of Uncertain Significance. This sequence change replaces tyrosine, which is neutral and polar, with cysteine, which is neutral and slightly polar, at codon 296 of the VPS33A protein (p.Tyr296Cys). This variant is present in population databases (rs777533265, gnomAD 0.0009%). This variant has not been reported in the literature in individuals affected with VPS33A-related conditions. Algorithms developed to predict the effect of missense changes on protein structure and function are either unavailable or do not agree on the potential impact of this missense change (SIFT: "Deleterious"; PolyPhen-2: "Probably Damaging"; Align-GVGD: "Class C0").

NM_022916.6(VPS33A):c.887A>G (p.Tyr296Cys)

Gene: VPS33A (VPS33A core subunit of CORVET and HOPS complexes; minus strand). Cytogenetic location: 12q24.31.
Variant type: single nucleotide variant.
Coding change: c.887A>G on transcript NM_022916.6 (MANE Select); coding-DNA position 887, A replaced by G.
Protein change: p.Tyr296Cys; replaces tyrosine 296 with cysteine.
Molecular consequence: missense variant. On other transcripts: intron variant (1).
Genome position (GRCh38, 1-based): chr12:122,244,651, T>C on the plus strand (A>G on the coding strand, the complement: VPS33A is on the minus strand). VCF-style: chr12-122244651-T-C. GRCh37 (hg19) VCF-style: chr12-122729198-T-C.
Other names: c.854A>G, p.Tyr285Cys (NM_001351018.2); c.839A>G, p.Tyr280Cys (NM_001351019.2); c.776-4706A>G (NM_001351020.2); short protein forms Y280C, Y285C, Y296C.
Identifiers: ClinVar variation 1956972 (VCV001956972.5), dbSNP rs777533265, ClinGen allele CA6844483.